The following is an entry in ClinVar:

NC_000002.11:g.(?_98340500)_(98355961_?)dup

Gene: ZAP70 (zeta chain of T cell receptor associated protein kinase 70; plus strand). Cytogenetic location: 2q11.2.
Variant type: Duplication.
Identifiers: ClinVar variation 2423625 (VCV002423625.4).

ClinVar aggregate classification (germline): Uncertain significance (1 of 4 stars; one submission).

Conditions:
Combined immunodeficiency due to ZAP70 deficiency (IMD48). Also called: ZAP70 Deficiency; Immunodeficiency 48. Identifiers: Orphanet 911, MedGen C2931299, MONDO:0010023, OMIM 269840.

Submission:

Labcorp Genetics (formerly Invitae), Labcorp
Classification: Uncertain significance for Combined immunodeficiency due to ZAP70 deficiency. Last evaluated: 2022-08-23. Review status: criteria provided, single submitter. Criteria: Invitae Variant Classification Sherloc (09022015). Collection method: clinical testing. Allele origin: germline.
Comment: A copy number gain of the genomic region encompassing the full coding sequence of the ZAP70 gene has been identified. The boundaries of this event are unknown as they extend beyond the assayed region for this gene and therefore may encompass additional genes. As the precise location of this event is unknown, it may be in tandem or it may be located elsewhere in the genome. This variant has not been reported in the literature in individuals affected with ZAP70-related conditions. In summary, the available evidence is currently insufficient to determine the role of this variant in disease. Therefore, it has been classified as a Variant of Uncertain Significance.